The following is an entry in ClinVar:

ClinVar aggregate classification (germline): Pathogenic/Likely pathogenic. Review status: criteria provided, multiple submitters, no conflicts (2 of 4 stars). 10 submissions from 7 submitters: Pathogenic (4); Likely pathogenic (2). 4 of the submissions do not count toward it. Last evaluated 2025-11-27.

Conditions:
Erythrocytosis, familial, 7. Also called: ERYTHROCYTOSIS, ALPHA-GLOBIN TYPE; POLYCYTHEMIA, ALPHA-GLOBIN TYPE; ERYTHROCYTOSIS 7. Identifiers: MedGen C4693823, MONDO:0054802, OMIM 617981.
Heinz body anemia. Also called: Heinz body hemolytic anemia. Identifiers: Orphanet 178330, MedGen C0700299, MONDO:0007705, OMIM 140700, HP:0005511.
Hemoglobin H disease (HBH). Also called: Hemoglobin H (HbH) Disease; HEMOGLOBIN H DISEASE, DELETIONAL; ALPHA-THALASSEMIA, HEMOGLOBIN H TYPE. Identifiers: Orphanet 93616, MedGen C3161174, MONDO:0013512, OMIM 613978. Disease mechanism: loss of function.
alpha Thalassemia. Also called: Alpha thalassemia spectrum. Identifiers: Orphanet 846, MedGen C0002312, MONDO:0011399, OMIM 604131.
HEMOGLOBIN L (FERRARA).
HEMOGLOBIN HASHARON.
HEMOGLOBIN SINAI.
HEMOGLOBIN SEALY.

Allele frequency attached by ClinVar (database versions not stated): gnomAD 0.00003 and 0.00004; gnomAD exomes 0.00004 and 0.00009; ExAC 0.00023.
gnomAD v4.1: 37 of 893,450 alleles (0.0041%); highest among the groups gnomAD compares: Non-Finnish European, 0.00067%; no homozygotes.

Submissions (10):

Natera, Inc.
Classification: Likely pathogenic for Alpha thalassemia. Last evaluated: 2025-11-27. Review status: criteria provided, single submitter. Criteria: Natera Variant Classification Schema (03/2026). Collection method: clinical testing. Allele origin: germline.
Comment: The c.142G>C variant in HBA2 is a missense variant predicted to cause substitution of aspartic acid to histidine at amino acid 48. This variant is rare in the general population with a frequency below the threshold expected for the associated phenotype(s). This variant has been observed in one or more individuals affected with the associated recessive disease, as either homozygous or compound heterozygous with a second variant (PMID: 28160324, 23741188, 25818820). Computational prediction algorithms indicate this variant is likely to affect gene or protein function. Given the available evidence, this variant is classified as Likely Pathogenic.

ARUP Laboratories, Molecular Genetics and Genomics, ARUP Laboratories
Classification: Pathogenic. Last evaluated: 2025-07-31. Review status: criteria provided, single submitter. Criteria: ARUP Molecular Germline Variant Investigation Process 2024. Collection method: clinical testing. Allele origin: germline.
Comment: The Hb Hasharon variant (HBA2 c.142G>C; p.Asp48His variant, also known as Asp47His when numbered from the mature protein, HbVarID: 65, rs281864834, ClinVar Variation ID 15636), also known as Hb Sealy and Hb L-Ferrara, is reported in the literature in the heterozygous state in individuals with microcytic anemia to no clinical presentation and in the homozygous state or in combination with large alpha globin deletions in individuals with microcytosis, hypochromia, and polycythemia (Charache 1969, de la Fuente-Gonzalo 2019, Gilad 2017, Kimura 2015, Nagel 1969, Pich 1978, Schneider 1968, Warghade 2018). Functional characterization of Hb Hasharon indicates that the variant alpha chain has reduced stability in vitro (Charache 1969) and in vivo (Molchanova 1994). This variant is found in the general population with an overall allele frequency of 0.009% (12/126964 alleles) in the Genome Aggregation Database (v2.1.1). Computational analyses predict that this variant is deleterious (REVEL:0.789). Based on available information, the variant is considered to be pathogenic. References: Link to HbVar database: Charache S et al. Hemoglobin Hasharon (alpha-2-47 his(CD5)beta-2): a hemoglobin found in low concentration. J Clin Invest. 1969; 48(5):834-47. PMID: 5780195. de la Fuente-Gonzalo F et al. Characterization of deletional and non-deletional alpha globin variants in a large cohort from Spain between 2009 and 2014. Ann Hematol. 2019 Jul. PMID: 31025160. Gilad O et al. Molecular diagnosis of alpha-thalassemia in a multiethnic population. Eur J Haematol. 2017 Jun;98(6):553-562. PMID: 28160324. Kimura E et al. Investigating alpha-globin structural variants: a retrospective review of 135,000 Brazilian individuals. Rev Bras Hematol Hemoter. 2015; 37(2):103-8. PMID: 25818820. Molchanova T et al. The differences in quantities of alpha 2- and alpha 1-globin gene variants in heterozygotes. Br J Haematol. 1994; 88(2):300-6. PMID: 7803274. Nagel R et al. Hemoglobin L Ferrara in a Jewish family associated with a hemolytic state in the propositus. Blood. 1969; 34(2):157-65. PMID: 5794113. Pich P et al. Interaction between Hb Hasharon and alpha-thalassemia: an approach to the problem of the number of human alpha loci. Blood. 1978; 51(2):339-46. PMID: 620088. Schneider R et al. Hemoglobin sealy (alpha 2-47His-beta 2): a new variant in a Jewish family. Am J Hum Genet. 1968; 20(2):151-6. PMID: 5643179. Warghade S et al. Prevalence of hemoglobin variants and hemoglobinopathies using cation-exchange high-performance liquid chromatography in central reference laboratory of India: A report of 65779 cases. J Lab Physicians. 2018 Jan-Mar. PMID: 29403210.

Quest Diagnostics Nichols Institute San Juan Capistrano
Classification: Pathogenic. Last evaluated: 2024-10-07. Review status: criteria provided, single submitter. Criteria: Quest Diagnostics criteria. Collection method: clinical testing. Allele origin: unknown.
Comment: The HBA2 c.142G>C (p.Asp48His) variant (also known as Hb Hasharon) has been reported in the heterozygous state in individuals with normal clinical presentation (HbVar) or with microcytic anemia (PMID: 5780195 (1969), 31025160 (2019)). Individuals who are homozygous for this variant presented with microcytosis, hypochromia, and polycythemia (PMID: 25818820 (2015)). This variant has been reported to be mildly unstable in experimental studies (PMID: 5780195 (1969), 7803274 (1994)). Analysis of this variant using bioinformatics tools for the prediction of the effect of amino acid changes on protein structure and function yielded predictions that this variant is damaging. Based on the available information, this variant is classified as pathogenic.

Women's Health and Genetics/Laboratory Corporation of America, LabCorp
Classification: Pathogenic for alpha Thalassemia. Last evaluated: 2024-06-10. Review status: criteria provided, single submitter. Criteria: LabCorp Variant Classification Summary - May 2015. Collection method: clinical testing. Allele origin: germline.
Comment: Variant summary: HBA2 c.142G>C (p.Asp48His), also reported as "hemoglobin Hasharon", "a2 47 his" and "Hasharon [47(CE5)Asp>His]", results in a non-conservative amino acid change located in the Globin domain (IPR000971) of the encoded protein sequence. Five of five in-silico tools predict a damaging effect of the variant on protein function. The variant allele was found at a frequency of 9.5e-05 in 126964 control chromosomes. This frequency is not significantly higher than estimated for a pathogenic variant in HBA2 causing Alpha Thalassemia (9.5e-05 vs 0.0056). c.142G>C has been reported in the literature in multiple bi-allelic or heterozygous individuals affected with Alpha Thalassemia, microcytosis and hypochromia (examples: Gilad_ 2017, Kimura_ 2015, Silva_ 2013). The following publications have been ascertained in the context of this evaluation (PMID: 5780195, 28160324, 25818820, 7803274, 23741188, 20309827). ClinVar contains an entry for this variant (Variation ID: 15636). Based on the evidence outlined above, the variant was classified as pathogenic.

Fulgent Genetics
Classification: Likely pathogenic for Heinz body anemia; alpha Thalassemia; Hemoglobin H disease; Erythrocytosis, familial, 7. Last evaluated: 2024-04-01. Review status: criteria provided, single submitter. Criteria: ACMG Guidelines, 2015. Collection method: clinical testing. Allele origin: germline.

GeneDx
Classification: Pathogenic. Last evaluated: 2021-01-28. Review status: criteria provided, single submitter. Criteria: GeneDx Variant Classification Process June 2021. Collection method: clinical testing. Allele origin: germline. Affected: yes.
Comment: Published functional studies demonstrate a damaging effect; in-vivo studies show percentage of the mutant Hb decreased with time, supporting instability of the mutant Hb in vivo (Charache et al., 1969); In silico analysis supports that this missense variant has a deleterious effect on protein structure/function; This variant is associated with the following publications: (PMID: 25818820, 620088, 5643179, 5794113, 5780195, 2752146, 5587575, 28160324, 7803274, 31553106)

OMIM
Classification: other for HEMOGLOBIN L (FERRARA). Last evaluated: 2018-05-21. Review status: no assertion criteria provided. Collection method: literature only. Allele origin: germline. Not counted in ClinVar's aggregate classification.

OMIM
Classification: other for HEMOGLOBIN HASHARON. Last evaluated: 2018-05-21. Review status: no assertion criteria provided. Collection method: literature only. Allele origin: germline. Not counted in ClinVar's aggregate classification.

OMIM
Classification: other for HEMOGLOBIN SINAI. Last evaluated: 2018-05-21. Review status: no assertion criteria provided. Collection method: literature only. Allele origin: germline. Not counted in ClinVar's aggregate classification.

OMIM
Classification: other for HEMOGLOBIN SEALY. Last evaluated: 2018-05-21. Review status: no assertion criteria provided. Collection method: literature only. Allele origin: germline. Not counted in ClinVar's aggregate classification.

Literature cited by the submitters: PubMed 28160324 (cited by 3 submitters); PubMed 23741188 (cited by 3 submitters); PubMed 25818820 (cited by 3 submitters); PubMed 7803274 (cited by Quest Diagnostics Nichols Institute San Juan Capistrano and Women's Health and Genetics/Laboratory Corporation of America, LabCorp); PubMed 5713624 (cited by Quest Diagnostics Nichols Institute San Juan Capistrano and OMIM); PubMed 24200101 (cited by Quest Diagnostics Nichols Institute San Juan Capistrano); PubMed 27207683 (cited by Quest Diagnostics Nichols Institute San Juan Capistrano); PubMed 18923834 (cited by Quest Diagnostics Nichols Institute San Juan Capistrano); PubMed 25130136 (cited by Quest Diagnostics Nichols Institute San Juan Capistrano); PubMed 29403210 (cited by Quest Diagnostics Nichols Institute San Juan Capistrano); PubMed 5780195 (cited by 3 submitters); PubMed 31553106 (cited by Quest Diagnostics Nichols Institute San Juan Capistrano); PubMed 31025160 (cited by Quest Diagnostics Nichols Institute San Juan Capistrano); PubMed 20309827 (cited by Women's Health and Genetics/Laboratory Corporation of America, LabCorp); Silvestroni, E., Bianco, I., Lucci, R., Soffritti, E. Presence of hemoglobin 'L' in natives of Ferrara and of hemoglobin 'D' in natives of Bologna. Acta Genet. Med. Gemellol. 9: 472-496, 1960. (cited by OMIM); Silvestroni, E., Bianco, I., Lucci, R., Soffritti, E. The hematological picture in carriers of Hb L, living in Ferrara: associations and relations to microcythemia. Prog. Med. 16: 553-561, 1960. (cited by OMIM); PubMed 13968068 (cited by OMIM); PubMed 5587575 (cited by OMIM); PubMed 5794113 (cited by OMIM); Lehmann, H. Haemoglobins and haemoglobinopathies. In: Lehmann, H., Betke, K. Haemoglobin-Colloquium. Stuttgart: Georg Thieme Verlag (pub.) 1-14, 1962. (cited by OMIM); Tentori, L. Hemoglobin L Ferrara = hemoglobin Hasharon. Hemoglobin 1: 602, 1977. (cited by OMIM); PubMed 620088 (cited by OMIM); Schneider, R. G. Personal Communication. 1974. Galveston, Tex. (cited by OMIM); PubMed 7110343 (cited by OMIM); PubMed 2752146 (cited by OMIM).

NM_000517.4(HBA2):c.142G>C (p.Asp48His)

Genes: HBA2 (hemoglobin subunit alpha 2; plus strand), LOC106804612 (hemoglobin subunit alpha 2 recombination region; plus strand). Cytogenetic location: 16p13.3.
Variant type: single nucleotide variant.
Coding change: c.142G>C on transcript NM_000517.4; coding-DNA position 142, G replaced by C.
Protein change: p.Asp48His; replaces aspartic acid 48 with histidine.
Molecular consequence: missense variant (on NM_000517.6).
Genome position (GRCh38, 1-based): chr16:173,171, G>C. VCF-style: chr16-173171-G-C. GRCh37 (hg19) VCF-style: chr16-223170-G-C.
Other names: D47H; Hb L-Ferrara; Hb Michigan-I; Hb Michigan-II; Hb Sealy; Hb Sinai; c.142G>C (NM_000517.5); c.142G>C, p.Asp48His (NM_000517.6); short protein forms D48H.
Identifiers: ClinVar variation 15636 (VCV000015636.27), dbSNP rs281864834, ClinGen allele CA125569.